The following is an entry in ClinVar:

NM_001005273.3(CHD3):c.206A>G (p.Lys69Arg)

Gene: CHD3 (chromodomain helicase DNA binding protein 3; plus strand). Cytogenetic location: 17p13.1.
Variant type: single nucleotide variant.
Coding change: c.206A>G on transcript NM_001005273.3 (MANE Select); coding-DNA position 206, A replaced by G.
Protein change: p.Lys69Arg; replaces lysine 69 with arginine.
Molecular consequence: missense variant.
Genome position (GRCh38, 1-based): chr17:7,889,769, A>G. VCF-style: chr17-7889769-A-G. GRCh37 (hg19) VCF-style: chr17-7793087-A-G.
Other names: c.383A>G, p.Lys128Arg (NM_001005271.3, NM_001437504.1, NM_001437507.1 and 2 more transcripts); c.206A>G, p.Lys69Arg (NM_005852.4); short protein forms K128R, K69R.
Identifiers: ClinVar variation 4690037 (VCV004690037.1).

ClinVar aggregate classification (germline): Uncertain significance (1 of 4 stars; one submission).

Submission:

GeneDx
Classification: Uncertain significance. Last evaluated: 2025-07-30. Review status: criteria provided, single submitter. Criteria: GeneDx Variant Classification Process June 2021. Collection method: clinical testing. Allele origin: germline. Affected: yes.
Comment: Not observed at significant frequency in large population cohorts (gnomAD); In silico analysis suggests that this missense variant does not alter protein structure/function; Has not been previously published as pathogenic or benign to our knowledge